The following is an entry in ClinVar:

ClinVar aggregate classification (germline): Conflicting classifications of pathogenicity. Review status: criteria provided, conflicting classifications (1 of 4 stars). 15 submissions from 13 submitters: Uncertain significance (2); Benign (4); Likely benign (5). 4 of the submissions do not count toward it. Last evaluated 2026-02-03.

Conditions:
Generalized epilepsy with febrile seizures plus, type 7 (GEFSP7). Also called: GEFS+, TYPE 7. Identifiers: Orphanet 36387, MedGen C2751778, MONDO:0013470, OMIM 613863.
Neuropathy, hereditary sensory and autonomic, type 2A (HSAN2A). Also called: ACROOSTEOLYSIS, GIACCAI TYPE; ACROOSTEOLYSIS, NEUROGENIC; MORVAN DISEASE; NEUROPATHY, CONGENITAL SENSORY; NEUROPATHY, HEREDITARY SENSORY RADICULAR, AUTOSOMAL RECESSIVE; NEUROPATHY, HEREDITARY SENSORY, TYPE IIA. Identifiers: Orphanet 970, MedGen C2752089, MONDO:0024309, OMIM 201300.
Inborn genetic diseases. Identifiers: MedGen C0950123, MeSH D030342.
Channelopathy-associated congenital insensitivity to pain, autosomal recessive. Also called: Insensitivity to pain, channelopathy-associated; ASYMBOLIA FOR PAIN; CONGENITAL ANALGESIA, AUTOSOMAL RECESSIVE. Identifiers: Orphanet 88642, Orphanet 970, MedGen C1855739, MONDO:0009459, OMIM 243000.
Primary erythromelalgia. Also called: primary erythermalgia; SCN9A Erythromelalgia (SCN9A-EM). Identifiers: Orphanet 306577, Orphanet 90026, MedGen C0014805, MONDO:0007571, OMIM 133020.
Paroxysmal extreme pain disorder (PEXPD). Also called: PAIN, SUBMANDIBULAR, OCULAR, AND RECTAL, WITH FLUSHING; RECTAL PAIN, FAMILIAL; SCN9A Paroxysmal Extreme Pain Disorder (SCN9A-PEPD). Identifiers: Orphanet 46348, MedGen C1833661, MONDO:0008179, OMIM 167400.

Allele frequency attached by ClinVar (database versions not stated): 1000 Genomes Project 0.00060; 1000 Genomes Project 30x 0.00062; gnomAD exomes 0.00122 and 0.00146; TOPMed 0.00143; gnomAD 0.00163 and 0.00171; ESP Exome Variant Server 0.00182; ExAC 0.00190.
gnomAD v4.1: 2,343 of 1,589,516 alleles (0.15%); highest among the groups gnomAD compares: Admixed American, 0.19%; 5 homozygotes.

Submissions (15):

Labcorp Genetics (formerly Invitae), Labcorp
Classification: Benign for Neuropathy, hereditary sensory and autonomic, type 2A; Generalized epilepsy with febrile seizures plus, type 7. Last evaluated: 2026-02-03. Review status: criteria provided, single submitter. Criteria: Invitae Variant Classification Sherloc (09022015). Collection method: clinical testing. Allele origin: germline.

CeGaT Center for Human Genetics Tuebingen
Classification: Likely benign. Last evaluated: 2025-12-01. Review status: criteria provided, single submitter. Criteria: CeGaT Center For Human Genetics Tuebingen Variant Classification Criteria Version 2. Collection method: clinical testing. Allele origin: germline. Affected: yes. Observed: 4 variant alleles.
Comment: SCN9A: BP4, BS2

Blueprint Genetics
Classification: Likely benign. Last evaluated: 2024-11-15. Review status: criteria provided, single submitter. Criteria: ACMG Guidelines, 2015. Collection method: clinical testing. Allele origin: germline.

ARUP Laboratories, Molecular Genetics and Genomics, ARUP Laboratories
Classification: Likely benign. Last evaluated: 2023-10-09. Review status: criteria provided, single submitter. Criteria: ARUP Molecular Germline Variant Investigation Process 2024. Collection method: clinical testing. Allele origin: germline.

Ambry Genetics
Classification: Likely benign for Inborn genetic diseases. Last evaluated: 2019-07-11. Review status: criteria provided, single submitter. Criteria: Ambry Variant Classification Scheme 2023. Collection method: clinical testing. Allele origin: germline.

Illumina Laboratory Services, Illumina
Classification: Benign for Paroxysmal extreme pain disorder. Last evaluated: 2018-01-12. Review status: criteria provided, single submitter. Criteria: ICSL Variant Classification Criteria 13 December 2019. Collection method: clinical testing. Allele origin: germline.
Comment: This variant was observed in the ICSL laboratory as part of a predisposition screen in an ostensibly healthy population. It had not been previously curated by ICSL or reported in the Human Gene Mutation Database (HGMD: prior to June 1st, 2018), and was therefore a candidate for classification through an automated scoring system. Utilizing variant allele frequency, disease prevalence and penetrance estimates, and inheritance mode, an automated score was calculated to assess if this variant is too frequent to cause the disease. Based on the score and internal cut-off values, a variant classified as benign is not then subjected to further curation. The score for this variant resulted in a classification of benign for this disease.

Illumina Laboratory Services, Illumina
Classification: Benign for Primary erythromelalgia. Last evaluated: 2018-01-12. Review status: criteria provided, single submitter. Criteria: ICSL Variant Classification Criteria 13 December 2019. Collection method: clinical testing. Allele origin: germline.
Comment: the same text as in the submission from Illumina Laboratory Services, Illumina above.

Illumina Laboratory Services, Illumina
Classification: Uncertain significance for Channelopathy-associated congenital insensitivity to pain, autosomal recessive. Last evaluated: 2018-01-12. Review status: criteria provided, single submitter. Criteria: ICSL Variant Classification Criteria 13 December 2019. Collection method: clinical testing. Allele origin: germline.

Eurofins Ntd Llc (ga)
Classification: Uncertain significance. Last evaluated: 2015-05-04. Review status: criteria provided, single submitter. Criteria: EGL Classification Definitions 2015. Collection method: clinical testing. Allele origin: germline. Observed: 1 variant allele, 1 heterozygote.

GeneDx
Classification: Benign. Last evaluated: 2015-04-21. Review status: criteria provided, single submitter. Criteria: GeneDx Variant Classification (06012015). Collection method: clinical testing. Allele origin: germline. Affected: yes.
Comment: This variant is considered likely benign or benign based on one or more of the following criteria: it is a conservative change, it occurs at a poorly conserved position in the protein, it is predicted to be benign by multiple in silico algorithms, and/or has population frequency not consistent with disease.

PreventionGenetics, part of Exact Sciences
Classification: Likely benign. Review status: criteria provided, single submitter. Criteria: ACMG Guidelines, 2015. Collection method: clinical testing. Allele origin: germline.

Clinical Genetics, Academic Medical Center
Classification: Likely benign. Review status: no assertion criteria provided. Collection method: clinical testing. Allele origin: germline. Affected: yes. Study: VKGL Data-share Consensus. Not counted in ClinVar's aggregate classification.

Diagnostic Laboratory, Department of Genetics, University Medical Center Groningen
Classification: Likely benign. Review status: no assertion criteria provided. Collection method: clinical testing. Allele origin: germline. Affected: yes. Study: VKGL Data-share Consensus. Not counted in ClinVar's aggregate classification.

Genome Diagnostics Laboratory, University Medical Center Utrecht
Classification: Likely benign. Review status: no assertion criteria provided. Collection method: clinical testing. Allele origin: germline. Affected: yes. Study: VKGL Data-share Consensus. Not counted in ClinVar's aggregate classification.

Joint Genome Diagnostic Labs from Nijmegen and Maastricht, Radboudumc and MUMC+
Classification: Likely benign. Review status: no assertion criteria provided. Collection method: clinical testing. Allele origin: germline. Affected: yes. Study: VKGL Data-share Consensus. Not counted in ClinVar's aggregate classification.

NM_001365536.1(SCN9A):c.4314C>T (p.Val1438=)

Genes: SCN1A-AS1 (SCN1A and SCN9A antisense RNA 1; plus strand), SCN9A (sodium voltage-gated channel alpha subunit 9; minus strand). Cytogenetic location: 2q24.3.
Variant type: single nucleotide variant.
Coding change: c.4314C>T on transcript NM_001365536.1 (MANE Select); coding-DNA position 4314, C replaced by T.
Protein change: p.Val1438=; no amino-acid change (valine 1438 retained).
Molecular consequence: synonymous variant.
Genome position (GRCh38, 1-based): chr2:166,226,651, G>A on the plus strand (C>T on the coding strand, the complement: SCN9A is on the minus strand). VCF-style: chr2-166226651-G-A. GRCh37 (hg19) VCF-style: chr2-167083161-G-A.
Other names: c.4281C>T, p.Val1427= (NM_002977.4).
Identifiers: ClinVar variation 195816 (VCV000195816.70), dbSNP rs188336294, ClinGen allele CA242438.